The following is an entry in ClinVar:

ClinVar aggregate classification (germline): Uncertain significance (1 of 4 stars; one submission).

Allele frequency attached by ClinVar (database versions not stated): TOPMed below 0.00001; gnomAD 0.00001.
gnomAD v4.1: 1 of 1,209,112 alleles (0.000083%); highest among the groups gnomAD compares: Non-Finnish European, 0.00011%; no homozygotes.

Submission:

GeneDx
Classification: Uncertain significance. Last evaluated: 2020-06-23. Review status: criteria provided, single submitter. Criteria: GeneDx Variant Classification Process June 2021. Collection method: clinical testing. Allele origin: germline. Affected: yes.
Comment: Not observed in large population cohorts (Lek et al., 2016); In silico analysis supports that this missense variant has a deleterious effect on protein structure/function; Has not been previously published as pathogenic or benign to our knowledge

NM_001008537.3(NEXMIF):c.1636A>G (p.Asn546Asp)

Gene: NEXMIF (neurite extension and migration factor; minus strand). Cytogenetic location: Xq13.3.
Variant type: single nucleotide variant.
Coding change: c.1636A>G on transcript NM_001008537.3 (MANE Select); coding-DNA position 1636, A replaced by G.
Protein change: p.Asn546Asp; replaces asparagine 546 with aspartic acid.
Molecular consequence: missense variant.
Genome position (GRCh38, 1-based): chrX:74,742,921, T>C on the plus strand (A>G on the coding strand, the complement: NEXMIF is on the minus strand). VCF-style: chrX-74742921-T-C. GRCh37 (hg19) VCF-style: chrX-73962756-T-C.
Other names: short protein forms N546D.
Identifiers: ClinVar variation 1312799 (VCV001312799.2), dbSNP rs1480751157, ClinGen allele CA413670047.